The following is an entry in ClinVar:

ClinVar aggregate classification (germline): Uncertain significance. Review status: criteria provided, multiple submitters, no conflicts (2 of 4 stars). 4 submissions from 4 submitters: Uncertain significance (4). Last evaluated 2025-05-01.

Conditions:
Hereditary cancer-predisposing syndrome. Also called: Tumor predisposition; Neoplastic Syndromes, Hereditary; Hereditary Cancer Syndrome; Hereditary neoplastic syndrome. Identifiers: Orphanet 140162, MedGen C0027672, MeSH D009386, MONDO:0015356.
Fanconi anemia complementation group J. Also called: BRIP1-Related Fanconi Anemia. Identifiers: Orphanet 84, MedGen C1836860, MONDO:0012187, OMIM 609054.
Familial cancer of breast. Also called: BREAST CANCER, FAMILIAL; hereditary breast carcinoma; Hereditary breast cancer. Identifiers: Orphanet 227535, MedGen C0346153, MONDO:0016419, OMIM 114480. Disease mechanism: loss of function.
Breast and/or ovarian cancer. Identifiers: MedGen CN221562.

Allele frequency attached by ClinVar (database versions not stated): ExAC 0.00002; gnomAD exomes 0.00002.
gnomAD v4.1: 16 of 1,610,792 alleles (0.00099%); highest among the groups gnomAD compares: South Asian, 0.017%; no homozygotes.

Submissions (4):

Labcorp Genetics (formerly Invitae), Labcorp
Classification: Uncertain significance for Familial cancer of breast; Fanconi anemia complementation group J. Last evaluated: 2025-05-01. Review status: criteria provided, single submitter. Criteria: Invitae Variant Classification Sherloc (09022015). Collection method: clinical testing. Allele origin: germline.
Comment: This sequence change replaces arginine, which is basic and polar, with serine, which is neutral and polar, at codon 459 of the BRIP1 protein (p.Arg459Ser). This variant is present in population databases (rs780310294, gnomAD 0.02%). This variant has not been reported in the literature in individuals affected with BRIP1-related conditions. ClinVar contains an entry for this variant (Variation ID: 489810). Invitae Evidence Modeling of protein sequence and biophysical properties (such as structural, functional, and spatial information, amino acid conservation, physicochemical variation, residue mobility, and thermodynamic stability) indicates that this missense variant is not expected to disrupt BRIP1 protein function with a negative predictive value of 95%. In summary, the available evidence is currently insufficient to determine the role of this variant in disease. Therefore, it has been classified as a Variant of Uncertain Significance.

Ambry Genetics
Classification: Uncertain significance for Hereditary cancer-predisposing syndrome. Last evaluated: 2024-03-13. Review status: criteria provided, single submitter. Criteria: Ambry Variant Classification Scheme 2023. Collection method: clinical testing. Allele origin: germline.
Comment: The p.R459S variant (also known as c.1377A>C), located in coding exon 9 of the BRIP1 gene, results from an A to C substitution at nucleotide position 1377. The arginine at codon 459 is replaced by serine, an amino acid with dissimilar properties. This variant was not reported in population based cohorts in the following databases: Database of Single Nucleotide Polymorphisms (dbSNP), NHLBI Exome Sequencing Project (ESP), and 1000 Genomes Project. In the ESP, this variant was not observed in 6501 samples (13002 alleles) with coverage at this position. To date, this alteration has been detected with an allele frequency of approximately 0.001% (greater than 175000 alleles tested) in our clinical cohort. This amino acid position is highly conserved in available vertebrate species. In addition, the in silico prediction for this alteration is inconclusive. Since supporting evidence is limited at this time, the clinical significance of this alteration remains unclear.

Color Diagnostics, LLC DBA Color Health
Classification: Uncertain significance for Hereditary cancer-predisposing syndrome. Last evaluated: 2023-12-05. Review status: criteria provided, single submitter. Criteria: ACMG Guidelines, 2015. Collection method: clinical testing. Allele origin: germline.
Comment: This missense variant replaces arginine with serine at codon 459 of the BRIP1 protein. Computational prediction suggests that this variant may not impact protein structure and function (internally defined REVEL score threshold <= 0.5, PMID: 27666373). To our knowledge, functional studies have not been reported for this variant. This variant has not been reported in individuals affected with BRIP1-related disorders in the literature. This variant has been identified in 5/247852 chromosomes in the general population by the Genome Aggregation Database (gnomAD). The available evidence is insufficient to determine the role of this variant in disease conclusively. Therefore, this variant is classified as a Variant of Uncertain Significance.

CHEO Genetics Diagnostic Laboratory, Children's Hospital of Eastern Ontario
Classification: Uncertain significance for Breast and/or ovarian cancer. Last evaluated: 2020-04-02. Review status: criteria provided, single submitter. Criteria: ACMG Guidelines, 2015. Collection method: clinical testing. Allele origin: germline.

NM_032043.3(BRIP1):c.1377A>C (p.Arg459Ser)

Gene: BRIP1 (BRCA1 interacting DNA helicase 1; minus strand). Cytogenetic location: 17q23.2.
Variant type: single nucleotide variant.
Coding change: c.1377A>C on transcript NM_032043.3 (MANE Select); coding-DNA position 1377, A replaced by C.
Protein change: p.Arg459Ser; replaces arginine 459 with serine.
Molecular consequence: missense variant.
Genome position (GRCh38, 1-based): chr17:61,793,693, T>G on the plus strand (A>C on the coding strand, the complement: BRIP1 is on the minus strand). VCF-style: chr17-61793693-T-G. GRCh37 (hg19) VCF-style: chr17-59871054-T-G.
Other names: short protein forms R459S.
Identifiers: ClinVar variation 489810 (VCV000489810.16), dbSNP rs780310294, ClinGen allele CA8690747.